The following is an entry in ClinVar:

ClinVar aggregate classification (germline): Uncertain significance (1 of 4 stars; one submission).

Conditions:
Hypercoagulability syndrome due to glycosylphosphatidylinositol deficiency (GPIBD1). Also called: GLYCOSYLPHOSPHATIDYLINOSITOL BIOSYNTHESIS DEFECT 1. Identifiers: Orphanet 83639, MedGen C5201145, MONDO:0012465, OMIM 610293.

Submission:

Labcorp Genetics (formerly Invitae), Labcorp
Classification: Uncertain significance for Hypercoagulability syndrome due to glycosylphosphatidylinositol deficiency. Last evaluated: 2025-08-04. Review status: criteria provided, single submitter. Criteria: Invitae Variant Classification Sherloc (09022015). Collection method: clinical testing. Allele origin: germline.
Comment: This sequence change replaces serine, which is neutral and polar, with tyrosine, which is neutral and polar, at codon 141 of the PIGM protein (p.Ser141Tyr). This variant is not present in population databases (gnomAD no frequency). This variant has not been reported in the literature in individuals affected with PIGM-related conditions. ClinVar contains an entry for this variant (Variation ID: 2822947). Invitae Evidence Modeling of protein sequence and biophysical properties (such as structural, functional, and spatial information, amino acid conservation, physicochemical variation, residue mobility, and thermodynamic stability) indicates that this missense variant is expected to disrupt PIGM protein function with a positive predictive value of 80%. In summary, the available evidence is currently insufficient to determine the role of this variant in disease. Therefore, it has been classified as a Variant of Uncertain Significance.

NM_145167.3(PIGM):c.422C>A (p.Ser141Tyr)

Gene: PIGM (phosphatidylinositol glycan anchor biosynthesis class M; minus strand). Cytogenetic location: 1q23.2.
Variant type: single nucleotide variant.
Coding change: c.422C>A on transcript NM_145167.3 (MANE Select); coding-DNA position 422, C replaced by A.
Protein change: p.Ser141Tyr; replaces serine 141 with tyrosine.
Molecular consequence: missense variant.
Genome position (GRCh38, 1-based): chr1:160,031,318, G>T on the plus strand (C>A on the coding strand, the complement: PIGM is on the minus strand). VCF-style: chr1-160031318-G-T. GRCh37 (hg19) VCF-style: chr1-160001108-G-T.
Other names: short protein forms S141Y.
Identifiers: ClinVar variation 2822947 (VCV002822947.3), dbSNP rs776906748, ClinGen allele CA343243017.